The following is an entry in ClinVar:

ClinVar aggregate classification (germline): Pathogenic. Review status: criteria provided, multiple submitters, no conflicts (2 of 4 stars). 2 submissions from 2 submitters: Pathogenic (2). Last evaluated 2026-01-13.

Conditions:
Autosomal dominant pseudohypoaldosteronism type 1. Also called: Pseudohypoaldosteronism, Type I, Dominant; PHA I, AUTOSOMAL DOMINANT; Pseudohypoaldosteronism, Type I, Autosomal Dominant. Identifiers: Orphanet 171871, Orphanet 756, MedGen C1449842, MONDO:0008329, OMIM 177735.

Allele frequency attached by ClinVar (database versions not stated): gnomAD exomes below 0.00001.
gnomAD v4.1: 2 of 1,613,974 alleles (0.00012%); highest among the groups gnomAD compares: Non-Finnish European, 0.000085%; no homozygotes.

Submissions (2):

Clinical Genomics Laboratory, Washington University in St. Louis
Classification: Pathogenic for Autosomal dominant pseudohypoaldosteronism type 1. Last evaluated: 2026-01-13. Review status: criteria provided, single submitter. Criteria: ACMG Guidelines, 2015. Collection method: clinical testing. Allele origin: germline. Affected: yes.
Comment: The NR3C2 c.1768C>T (p.Arg590*) variant has been reported in two individuals affected with PHA1A (Geller DS et al., PMID: 16611713; Wijaya M et al., PMID: 34243750). This variant has been reported in the ClinVar database as a germline pathogenic variant by one submitter. This variant is observed in 2/1,613,974 alleles in the general population (gnomAD v.4.1.0), indicating that it is not a common variant. This variant leads to a premature termination codon, which is predicted to result in nonsense-mediated decay. Based on the available information and the ACMG/AMP guidelines for variant interpretation (Richards S et al., PMID: 25741868), this variant is classified as pathogenic.

GeneDx
Classification: Pathogenic. Last evaluated: 2023-05-01. Review status: criteria provided, single submitter. Criteria: GeneDx Variant Classification Process June 2021. Collection method: clinical testing. Allele origin: germline. Affected: yes.
Comment: Reported previously in an individual and in an unrelated family with autosomal dominant pseudohypoaldosteronism type 1 (Geller et al., 2006); Also reported in a patient with suspected PHA1 and was inherited from an asymptomatic father (Wijaya et al., 2021); Nonsense variant predicted to result in protein truncation or nonsense mediated decay in a gene for which loss of function is a known mechanism of disease; Not observed at significant frequency in large population cohorts (gnomAD); This variant is associated with the following publications: (PMID: 25525159, 27780983, 16611713, 33822359, 34243750)

NM_000901.5(NR3C2):c.1768C>T (p.Arg590Ter)

Gene: NR3C2 (nuclear receptor subfamily 3 group C member 2; minus strand). Cytogenetic location: 4q31.23.
Variant type: single nucleotide variant.
Coding change: c.1768C>T on transcript NM_000901.5 (MANE Select); coding-DNA position 1768, C replaced by T.
Protein change: p.Arg590Ter; replaces arginine 590 with a stop codon.
Molecular consequence: nonsense. On other transcripts: non-coding transcript variant (1).
Genome position (GRCh38, 1-based): chr4:148,260,107, G>A on the plus strand (C>T on the coding strand, the complement: NR3C2 is on the minus strand). VCF-style: chr4-148260107-G-A. GRCh37 (hg19) VCF-style: chr4-149181259-G-A.
Other names: c.1768C>T, p.Arg590Ter (NM_001166104.2, NM_001354819.1); short protein forms R590*.
Identifiers: ClinVar variation 429751 (VCV000429751.5), dbSNP rs1131691568, ClinGen allele CA358243377.